The following is an entry in ClinVar:

NM_052947.4(ALPK2):c.3583G>T (p.Val1195Leu)

Gene: ALPK2 (alpha kinase 2; minus strand). Cytogenetic location: 18q21.31.
Variant type: single nucleotide variant.
Coding change: c.3583G>T on transcript NM_052947.4 (MANE Select); coding-DNA position 3583, G replaced by T.
Protein change: p.Val1195Leu; replaces valine 1195 with leucine.
Molecular consequence: missense variant.
Genome position (GRCh38, 1-based): chr18:58,536,604, C>A on the plus strand (G>T on the coding strand, the complement: ALPK2 is on the minus strand). VCF-style: chr18-58536604-C-A. GRCh37 (hg19) VCF-style: chr18-56203836-C-A.
Other names: short protein forms V1195L.
Identifiers: ClinVar variation 3531203 (VCV003531203.1).

ClinVar aggregate classification (germline): Uncertain significance (1 of 4 stars; one submission).

Submission:

Ambry Genetics
Classification: Uncertain significance. Last evaluated: 2024-08-17. Review status: criteria provided, single submitter. Criteria: Ambry Variant Classification Scheme 2023. Collection method: clinical testing. Allele origin: germline.
Comment: The p.V1195L variant (also known as c.3583G>T), located in coding exon 4 of the ALPK2 gene, results from a G to T substitution at nucleotide position 3583. The valine at codon 1195 is replaced by leucine, an amino acid with highly similar properties. This amino acid position is conserved. In addition, this alteration is predicted to be tolerated by in silico analysis. Based on the available evidence, the clinical significance of this variant remains unclear.